The following is an entry in ClinVar:

NM_001376.5(DYNC1H1):c.6307G>A (p.Val2103Met)

Gene: DYNC1H1 (dynein cytoplasmic 1 heavy chain 1; plus strand). Cytogenetic location: 14q32.31.
Variant type: single nucleotide variant.
Coding change: c.6307G>A on transcript NM_001376.5 (MANE Select); coding-DNA position 6307, G replaced by A.
Protein change: p.Val2103Met; replaces valine 2103 with methionine.
Molecular consequence: missense variant.
Genome position (GRCh38, 1-based): chr14:102,010,361, G>A. VCF-style: chr14-102010361-G-A. GRCh37 (hg19) VCF-style: chr14-102476698-G-A.
Other names: short protein forms V2103M.
Identifiers: ClinVar variation 2103372 (VCV002103372.4), dbSNP rs2503751981, ClinGen allele CA391054456.
Genomic context (GRCh38, chr14:102,010,361, plus strand): 5'-CAAAGCCATTATGACTTCGGTCTTCGGGCTTTGAAGAGTGTGCTGGTGAGTGCAGGCAAT[G>A]TGAAGAGAGAGAGAATCCAGAAGATAAAGAGGGAGAAAGAGGAACGAGGGGAAGCAGTTG-3'
Protein context (NP_001367.2, residues 2093-2113): LKSVLVSAGN[Val2103Met]KRERIQKIKR

ClinVar aggregate classification (germline): Uncertain significance (1 of 4 stars; one submission).

Conditions:
Charcot-Marie-Tooth disease axonal type 2O. Also called: Charcot-Marie-Tooth disease, axonal, type 20; CHARCOT-MARIE-TOOTH NEUROPATHY, AXONAL, TYPE 2O; CHARCOT-MARIE-TOOTH DISEASE, AXONAL, AUTOSOMAL DOMINANT, TYPE 2O; Charcot-Marie-Tooth Neuropathy Type 2O. Identifiers: Orphanet 284232, MedGen C3280220, MONDO:0013644, OMIM 614228.

Submission:

Labcorp Genetics (formerly Invitae), Labcorp
Classification: Uncertain significance for Charcot-Marie-Tooth disease axonal type 2O. Last evaluated: 2022-02-27. Review status: criteria provided, single submitter. Criteria: Invitae Variant Classification Sherloc (09022015). Collection method: clinical testing. Allele origin: germline.
Comment: This sequence change replaces valine, which is neutral and non-polar, with methionine, which is neutral and non-polar, at codon 2103 of the DYNC1H1 protein (p.Val2103Met). In summary, the available evidence is currently insufficient to determine the role of this variant in disease. Therefore, it has been classified as a Variant of Uncertain Significance. Advanced modeling of protein sequence and biophysical properties (such as structural, functional, and spatial information, amino acid conservation, physicochemical variation, residue mobility, and thermodynamic stability) performed at Invitae indicates that this missense variant is not expected to disrupt DYNC1H1 protein function. This variant has not been reported in the literature in individuals affected with DYNC1H1-related conditions. This variant is not present in population databases (gnomAD no frequency).